The following is an entry in ClinVar:

ClinVar aggregate classification (germline): Conflicting classifications of pathogenicity. Review status: criteria provided, conflicting classifications (1 of 4 stars). 2 submissions from 2 submitters: Uncertain significance (1); Likely benign (1). Last evaluated 2025-09-22.

Allele frequency attached by ClinVar (database versions not stated): gnomAD exomes 0.00006 and 0.00009; gnomAD 0.00011 and 0.00012; TOPMed 0.00012; ExAC 0.00010.
gnomAD v4.1: 150 of 1,551,530 alleles (0.0097%); highest among the groups gnomAD compares: Non-Finnish European, 0.012%; no homozygotes.

Submissions (2):

Mayo Clinic Laboratories, Mayo Clinic
Classification: Likely benign. Last evaluated: 2025-09-22. Review status: criteria provided, single submitter. Criteria: ACMG Guidelines, 2015. Collection method: clinical testing. Allele origin: germline. Observed: 2 variant alleles.
Comment: BS1_supporting, BP4_strong

Genetic Services Laboratory, University of Chicago
Classification: Uncertain significance. Last evaluated: 2017-04-06. Review status: criteria provided, single submitter. Criteria: ACMG Guidelines, 2015. Collection method: clinical testing. Allele origin: germline. Affected: no.

NM_001129820.2(SLFN14):c.1358A>G (p.Asn453Ser)

Genes: SLFN14 (schlafen family member 14; minus strand), LOC107985033 (uncharacterized LOC107985033; plus strand). Cytogenetic location: 17q12.
Variant type: single nucleotide variant.
Coding change: c.1358A>G on transcript NM_001129820.2 (MANE Select); coding-DNA position 1358, A replaced by G.
Protein change: p.Asn453Ser; replaces asparagine 453 with serine.
Molecular consequence: missense variant. On other transcripts: non-coding transcript variant (2).
Genome position (GRCh38, 1-based): chr17:35,553,276, T>C on the plus strand (A>G on the coding strand, the complement: SLFN14 is on the minus strand). VCF-style: chr17-35553276-T-C. GRCh37 (hg19) VCF-style: chr17-33880295-T-C.
Other names: p.Asn453Ser; short protein forms N453S.
Identifiers: ClinVar variation 436775 (VCV000436775.7), dbSNP rs753345092, ClinGen allele CA8504628.